The following is an entry in ClinVar:

NM_014754.3(PTDSS1):c.524G>A (p.Gly175Asp)

Gene: PTDSS1 (phosphatidylserine synthase 1; plus strand). Cytogenetic location: 8q22.1.
Variant type: single nucleotide variant.
Coding change: c.524G>A on transcript NM_014754.3 (MANE Select); coding-DNA position 524, G replaced by A.
Protein change: p.Gly175Asp; replaces glycine 175 with aspartic acid.
Molecular consequence: missense variant.
Genome position (GRCh38, 1-based): chr8:96,295,180, G>A. VCF-style: chr8-96295180-G-A. GRCh37 (hg19) VCF-style: chr8-97307408-G-A.
Other names: c.86G>A, p.Gly29Asp (NM_001290225.2); short protein forms G175D, G29D.
Identifiers: ClinVar variation 5007357 (VCV005007357.2).

ClinVar aggregate classification (germline): Uncertain significance (1 of 4 stars; one submission).

Conditions:
Lenz-Majewski hyperostosis syndrome (LMHD). Also called: LENZ-MAJEWSKI SYNDROME; Lenz-Majewski hyperostotic dysplasia; Multiple congenital anomalies, mental retardation and progressive skeletal sclerosis; Hyperostotic dwarfism Lenz-Majewski type; PTDSS1-Related Lenz-Majewski Hyperostotic Dysplasia. Identifiers: Orphanet 2658, MedGen C0432269, MONDO:0007892, OMIM 151050.

Submission:

Juno Genomics, Hangzhou Juno Genomics, Inc
Classification: Uncertain significance for Lenz-Majewski hyperostosis syndrome. Review status: criteria provided, single submitter. Criteria: ACMG Guidelines, 2015. Collection method: clinical testing. Allele origin: germline.
Comment: Absent from controls (or at extremely low frequency if recessive) in Genome Aggregation Database.;Multiple lines of computational evidence support a deleterious effect on the gene or gene product.